The following is an entry in ClinVar:

ClinVar aggregate classification (germline): Uncertain significance (1 of 4 stars; one submission).

Conditions:
Arterial tortuosity syndrome (ATORS). Identifiers: Orphanet 3342, MedGen C1859726, MONDO:0008818, OMIM 208050.

Submission:

Labcorp Genetics (formerly Invitae), Labcorp
Classification: Uncertain significance for Arterial tortuosity syndrome. Last evaluated: 2020-02-28. Review status: criteria provided, single submitter. Criteria: Invitae Variant Classification Sherloc (09022015). Collection method: clinical testing. Allele origin: germline.
Comment: This variant has not been reported in the literature in individuals with SLC2A10-related conditions. Algorithms developed to predict the effect of missense changes on protein structure and function output the following: SIFT: "Tolerated"; PolyPhen-2: "Benign"; Align-GVGD: "Class C0". The threonine amino acid residue is found in multiple mammalian species, suggesting that this missense change does not adversely affect protein function. These predictions have not been confirmed by published functional studies and their clinical significance is uncertain. In summary, the available evidence is currently insufficient to determine the role of this variant in disease. Therefore, it has been classified as a Variant of Uncertain Significance. This variant is not present in population databases (ExAC no frequency). This sequence change replaces alanine with threonine at codon 406 of the SLC2A10 protein (p.Ala406Thr). The alanine residue is weakly conserved and there is a small physicochemical difference between alanine and threonine.

NM_030777.4(SLC2A10):c.1216G>A (p.Ala406Thr)

Gene: SLC2A10 (solute carrier family 2 member 10; plus strand). Cytogenetic location: 20q13.12.
Variant type: single nucleotide variant.
Coding change: c.1216G>A on transcript NM_030777.4 (MANE Select); coding-DNA position 1216, G replaced by A.
Protein change: p.Ala406Thr; replaces alanine 406 with threonine.
Molecular consequence: missense variant.
Genome position (GRCh38, 1-based): chr20:46,726,252, G>A. VCF-style: chr20-46726252-G-A. GRCh37 (hg19) VCF-style: chr20-45354891-G-A.
Other names: short protein forms A406T.
Identifiers: ClinVar variation 1035558 (VCV001035558.8), dbSNP rs1301553883, ClinGen allele CA409269884.